The following is an entry in ClinVar:

NM_005883.3(APC2):c.1932C>G (p.Asn644Lys)

Gene: APC2 (APC regulator of WNT signaling pathway 2; plus strand). Cytogenetic location: 19p13.3.
Variant type: single nucleotide variant.
Coding change: c.1932C>G on transcript NM_005883.3 (MANE Select); coding-DNA position 1932, C replaced by G.
Protein change: p.Asn644Lys; replaces asparagine 644 with lysine.
Molecular consequence: missense variant.
Genome position (GRCh38, 1-based): chr19:1,465,233, C>G. VCF-style: chr19-1465233-C-G. GRCh37 (hg19) VCF-style: chr19-1465232-C-G.
Other names: c.1929C>G, p.Asn643Lys (NM_001351273.1); short protein forms N643K, N644K.
Identifiers: ClinVar variation 2579770 (VCV002579770.1), dbSNP rs1033657851, ClinGen allele CA403024217.

ClinVar aggregate classification (germline): Uncertain significance (1 of 4 stars; one submission).

Submission:

GeneDx
Classification: Uncertain significance. Last evaluated: 2023-03-14. Review status: criteria provided, single submitter. Criteria: GeneDx Variant Classification Process June 2021. Collection method: clinical testing. Allele origin: germline. Affected: yes.
Comment: Not observed at significant frequency in large population cohorts (gnomAD); In silico analysis supports that this missense variant has a deleterious effect on protein structure/function; Has not been previously published as pathogenic or benign to our knowledge.